The following is an entry in ClinVar:

NM_007327.4(GRIN1):c.2482A>T (p.Ile828Phe)

Gene: GRIN1 (glutamate ionotropic receptor NMDA type subunit 1; plus strand). Cytogenetic location: 9q34.3.
Variant type: single nucleotide variant.
Coding change: c.2482A>T on transcript NM_007327.4 (MANE Select); coding-DNA position 2482, A replaced by T.
Protein change: p.Ile828Phe; replaces isoleucine 828 with phenylalanine.
Molecular consequence: missense variant.
Genome position (GRCh38, 1-based): chr9:137,163,797, A>T. VCF-style: chr9-137163797-A-T. GRCh37 (hg19) VCF-style: chr9-140058249-A-T.
Other names: c.2482A>T, p.Ile828Phe (NM_000832.7, NM_021569.4); c.2545A>T, p.Ile849Phe (NM_001185090.2, NM_001185091.2); short protein forms I828F, I849F.
Identifiers: ClinVar variation 2732851 (VCV002732851.3), dbSNP rs2538649493, ClinGen allele CA375726485.

ClinVar aggregate classification (germline): Uncertain significance (1 of 4 stars; one submission).

Conditions:
Neurodevelopmental disorder with or without hyperkinetic movements and seizures, autosomal dominant. Also called: Intellectual disability, autosomal dominant 8. Identifiers: MedGen C3280282, MONDO:0013655, OMIM 614254.

Submission:

Labcorp Genetics (formerly Invitae), Labcorp
Classification: Uncertain significance for Neurodevelopmental disorder with or without hyperkinetic movements and seizures, autosomal dominant. Last evaluated: 2023-06-29. Review status: criteria provided, single submitter. Criteria: Invitae Variant Classification Sherloc (09022015). Collection method: clinical testing. Allele origin: germline.
Comment: This variant is not present in population databases (gnomAD no frequency). This sequence change replaces isoleucine, which is neutral and non-polar, with phenylalanine, which is neutral and non-polar, at codon 828 of the GRIN1 protein (p.Ile828Phe). This variant has not been reported in the literature in individuals affected with GRIN1-related conditions. In summary, the available evidence is currently insufficient to determine the role of this variant in disease. Therefore, it has been classified as a Variant of Uncertain Significance. Advanced modeling of protein sequence and biophysical properties (such as structural, functional, and spatial information, amino acid conservation, physicochemical variation, residue mobility, and thermodynamic stability) has been performed at Invitae for this missense variant, however the output from this modeling did not meet the statistical confidence thresholds required to predict the impact of this variant on GRIN1 protein function.